The following is an entry in ClinVar:

NM_000051.4(ATM):c.662+6C>G

Gene: ATM (ATM serine/threonine kinase; plus strand). Cytogenetic location: 11q22.3.
Variant type: single nucleotide variant.
Coding change: c.662+6C>G on transcript NM_000051.4 (MANE Select); 6 bases into the intron after coding-DNA position 662, C replaced by G.
Molecular consequence: intron variant.
Genome position (GRCh38, 1-based): chr11:108,244,124, C>G. VCF-style: chr11-108244124-C-G. GRCh37 (hg19) VCF-style: chr11-108114851-C-G.
Other names: c.662+6C>G (NM_001351834.2).
Identifiers: ClinVar variation 570342 (VCV000570342.11), dbSNP rs1565369978, ClinGen allele CA891842901.

ClinVar aggregate classification (germline): Conflicting classifications of pathogenicity. Review status: criteria provided, conflicting classifications (1 of 4 stars). 2 submissions from 2 submitters: Uncertain significance (1); Likely benign (1). Last evaluated 2025-10-13.

Conditions:
Hereditary cancer-predisposing syndrome. Also called: Hereditary neoplastic syndrome; Neoplastic Syndromes, Hereditary; Hereditary Cancer Syndrome; Tumor predisposition. Identifiers: Orphanet 140162, MedGen C0027672, MeSH D009386, MONDO:0015356.
Ataxia-telangiectasia syndrome (AT). Also called: AT, COMPLEMENTATION GROUP C; Cerebello-oculocutaneous telangiectasia; Immunodeficiency with ataxia telangiectasia; Ataxia-telangiectasia, complementation group D; ATAXIA-TELANGIECTASIA, FRESNO VARIANT; Ataxia-telangiectasia, complementation group E. Identifiers: Orphanet 100, MedGen C0004135, MONDO:0008840, OMIM 208900.

Allele frequency attached by ClinVar (database versions not stated): gnomAD exomes below 0.00001.
gnomAD v4.1: 3 of 1,613,450 alleles (0.00019%); highest among the groups gnomAD compares: Non-Finnish European, 0.00025%; no homozygotes.

Submissions (2):

Labcorp Genetics (formerly Invitae), Labcorp
Classification: Likely benign for Ataxia-telangiectasia syndrome. Last evaluated: 2025-10-13. Review status: criteria provided, single submitter. Criteria: Invitae Variant Classification Sherloc (09022015). Collection method: clinical testing. Allele origin: germline.

Color Diagnostics, LLC DBA Color Health
Classification: Uncertain significance for Hereditary cancer-predisposing syndrome. Last evaluated: 2020-11-11. Review status: criteria provided, single submitter. Criteria: ACMG Guidelines, 2015. Collection method: clinical testing. Allele origin: germline.
Comment: This variant causes a C to G nucleotide substitution at the +6 position of intron 6 of the ATM gene. Splice site prediction tools suggest that this variant may not impact RNA splicing. However, this prediction has not been confirmed in published RNA studies. To our knowledge, this variant has not been reported in individuals affected with hereditary cancer in the literature. This variant has not been identified in the general population by the Genome Aggregation Database (gnomAD). The available evidence is insufficient to determine the role of this variant in disease conclusively. Therefore, this variant is classified as a Variant of Uncertain Significance.